The following is an entry in ClinVar:

NM_001184880.2(PCDH19):c.1352C>T (p.Pro451Leu)

Gene: PCDH19 (protocadherin 19; minus strand). Cytogenetic location: Xq22.1.
Variant type: single nucleotide variant.
Coding change: c.1352C>T on transcript NM_001184880.2 (MANE Select); coding-DNA position 1352, C replaced by T.
Protein change: p.Pro451Leu; replaces proline 451 with leucine.
Molecular consequence: missense variant.
Genome position (GRCh38, 1-based): chrX:100,407,246, G>A on the plus strand (C>T on the coding strand, the complement: PCDH19 is on the minus strand). VCF-style: chrX-100407246-G-A. GRCh37 (hg19) VCF-style: chrX-99662244-G-A.
Other names: c.1352C>T, p.Pro451Leu (NM_001105243.2, NM_020766.3); c.1352C>T (NM_001184880.1); short protein forms P451L.
Identifiers: ClinVar variation 2138630 (VCV002138630.6), dbSNP rs2520983300, ClinGen allele CA414002912.

ClinVar aggregate classification (germline): Conflicting classifications of pathogenicity. Review status: criteria provided, conflicting classifications (1 of 4 stars). 3 submissions from 3 submitters: Pathogenic (1); Uncertain significance (2). Last evaluated 2025-11-25.

Conditions:
Developmental and epileptic encephalopathy, 9 (DEE9). Also called: Early infantile epileptic encephalopathy 9; JUBERG-HELLMAN SYNDROME; EPILEPSY, FEMALE-RESTRICTED, WITH MENTAL RETARDATION; PCDH19-Related X-Linked Female-Limited Epilepsy with Mental Retardation. Identifiers: Orphanet 101039, Orphanet 2076, MedGen C1848137, MONDO:0010246, OMIM 300088. Disease mechanism: loss of function.

Submissions (3):

Labcorp Genetics (formerly Invitae), Labcorp
Classification: Uncertain significance for Developmental and epileptic encephalopathy, 9. Last evaluated: 2025-11-25. Review status: criteria provided, single submitter. Criteria: Invitae Variant Classification Sherloc (09022015). Collection method: clinical testing. Allele origin: germline.
Comment: This sequence change replaces proline, which is neutral and non-polar, with leucine, which is neutral and non-polar, at codon 451 of the PCDH19 protein (p.Pro451Leu). This variant is not present in population databases (gnomAD no frequency). This missense change has been observed in individual(s) with clinical features of PCDH19-related conditions (PMID: 26765483, 32852734). ClinVar contains an entry for this variant (Variation ID: 2138630). Invitae Evidence Modeling of protein sequence and biophysical properties (such as structural, functional, and spatial information, amino acid conservation, physicochemical variation, residue mobility, and thermodynamic stability) indicates that this missense variant is expected to disrupt PCDH19 protein function with a positive predictive value of 95%. This variant disrupts the p.Pro451 amino acid residue in PCDH19. Other variant(s) that disrupt this residue have been observed in individuals with PCDH19-related conditions (PMID: 33262389), which suggests that this may be a clinically significant amino acid residue. In summary, the available evidence is currently insufficient to determine the role of this variant in disease. Therefore, it has been classified as a Variant of Uncertain Significance.

GeneDx
Classification: Pathogenic. Last evaluated: 2024-09-09. Review status: criteria provided, single submitter. Criteria: GeneDx Variant Classification Process June 2021. Collection method: clinical testing. Allele origin: germline. Affected: yes.
Comment: Not observed at significant frequency in large population cohorts (gnomAD); In silico analysis supports that this missense variant has a deleterious effect on protein structure/function; This variant is associated with the following publications: (PMID: 30451291, 26765483, 32852734)

Laboratorio de Genetica e Diagnostico Molecular, Hospital Israelita Albert Einstein
Classification: Uncertain significance for Developmental and epileptic encephalopathy, 9. Last evaluated: 2023-09-27. Review status: criteria provided, single submitter. Criteria: ACMG Guidelines, 2015. Collection method: clinical testing. Allele origin: germline. Affected: yes.
Comment: ACMG classification criteria: PS3 supporting, PS4 supporting, PM2 moderate, PP3 supporting

Literature cited by the submitters: PubMed 26765483 (cited by Labcorp Genetics (formerly Invitae), Labcorp); PubMed 32852734 (cited by Labcorp Genetics (formerly Invitae), Labcorp); PubMed 33262389 (cited by Labcorp Genetics (formerly Invitae), Labcorp).